The following is an entry in ClinVar:

NM_001205254.2(OCLN):c.1218C>T (p.Gly406=)

Gene: OCLN (occludin; plus strand). Cytogenetic location: 5q13.2.
Variant type: single nucleotide variant.
Coding change: c.1218C>T on transcript NM_001205254.2 (MANE Select); coding-DNA position 1218, C replaced by T.
Protein change: p.Gly406=; no amino-acid change (glycine 406 retained).
Molecular consequence: synonymous variant.
Genome position (GRCh38, 1-based): chr5:69,545,084, C>T. VCF-style: chr5-69545084-C-T. GRCh37 (hg19) VCF-style: chr5-68840911-C-T.
Other names: c.465C>T, p.Gly155= (NM_001205255.2); c.1056C>T, p.Gly352= (NM_001410743.1); c.1218C>T, p.Gly406= (NM_002538.4).
Identifiers: ClinVar variation 1800958 (VCV001800958.12), dbSNP rs767324023, ClinGen allele CA3294595.
Genomic context (GRCh38, chr5:69,545,084, plus strand): 5'-AGCAGGAAGGTCAAAGAGAACAGAGCAAGATCACTATGAGACAGACTACACAACTGGCGG[C>T]GAGTCCTGTGATGAGCTGGAGGAGGACTGGATCAGGTACCGACTCAGCTCTCCTTTCCTG-3'
Protein context (NP_001192183.1, residues 396-416): DHYETDYTTG[Gly406=]ESCDELEEDW

ClinVar aggregate classification (germline): Conflicting classifications of pathogenicity. Review status: criteria provided, conflicting classifications (1 of 4 stars). 3 submissions from 3 submitters: Pathogenic (1); Likely pathogenic (1); Uncertain significance (1). Last evaluated 2025-09-01.

Conditions:
Inborn genetic diseases. Identifiers: MedGen C0950123, MeSH D030342.

Allele frequency attached by ClinVar (database versions not stated): ExAC 0.00001.

Submissions (3):

CeGaT Center for Human Genetics Tuebingen
Classification: Pathogenic. Last evaluated: 2025-09-01. Review status: criteria provided, single submitter. Criteria: CeGaT Center For Human Genetics Tuebingen Variant Classification Criteria Version 2. Collection method: clinical testing. Allele origin: germline. Affected: yes. Observed: 1 variant allele.
Comment: OCLN: PVS1, PM2:Supporting, PM3:Supporting

GeneDx
Classification: Likely pathogenic. Last evaluated: 2025-05-10. Review status: criteria provided, single submitter. Criteria: GeneDx Variant Classification Process June 2021. Collection method: clinical testing. Allele origin: germline.
Comment: Published functional studies demonstrate a damaging effect: activation of a cryptic splice site resulting in aberrant splicing (PMID: 28386946); Not observed at significant frequency in large population cohorts (gnomAD); In silico analysis supports a deleterious effect on splicing; This variant is associated with the following publications: (PMID: 28386946)

Ambry Genetics
Classification: Uncertain significance for Inborn genetic diseases. Last evaluated: 2022-09-19. Review status: criteria provided, single submitter. Criteria: Ambry Variant Classification Scheme 2023. Collection method: clinical testing. Allele origin: germline.
Comment: The c.1218C>T (p.G406G) alteration is located in exon 6 (coding exon 5) of the OCLN gene. This alteration consists of a C to T substitution at nucleotide position 1218. This nucleotide substitution does not change the amino acid at codon 406. However, this change occurs in the last nucleotide of Exon 6 (c.1038_1253) which makes it likely to have some effect on normal mRNA splicing. Based on insufficient or conflicting evidence, the clinical significance of this alteration remains unclear.

Literature cited by the submitters: PubMed 28386946 (cited by Ambry Genetics).